The following is an entry in ClinVar:

NM_018136.5(ASPM):c.10331+5G>A

Gene: ASPM (assembly factor for spindle microtubules; minus strand). Cytogenetic location: 1q31.3.
Variant type: single nucleotide variant.
Coding change: c.10331+5G>A on transcript NM_018136.5 (MANE Select); 5 bases into the intron after coding-DNA position 10331, G replaced by A.
Molecular consequence: intron variant.
Genome position (GRCh38, 1-based): chr1:197,086,798, C>T on the plus strand (G>A on the coding strand, the complement: ASPM is on the minus strand). VCF-style: chr1-197086798-C-T. GRCh37 (hg19) VCF-style: chr1-197055928-C-T.
Other names: c.5576+5G>A (NM_001206846.2).
Identifiers: ClinVar variation 157774 (VCV000157774.14), dbSNP rs368843607, ClinGen allele CA270995.

ClinVar aggregate classification (germline): Conflicting classifications of pathogenicity. Review status: criteria provided, conflicting classifications (1 of 4 stars). 3 submissions from 3 submitters: Uncertain significance (1); Likely benign (2). Last evaluated 2025-11-04.

Conditions:
Microcephaly 5, primary, autosomal recessive (MCPH5). Also called: ASPM Primary Microcephaly. Identifiers: Orphanet 2512, MedGen C1837501, MONDO:0012106, OMIM 608716.

Allele frequency attached by ClinVar (database versions not stated): gnomAD exomes 0.00003 and 0.00008; gnomAD 0.00004 and 0.00006; TOPMed 0.00005; ExAC 0.00008; 1000 Genomes Project 0.00020; 1000 Genomes Project 30x 0.00031.
gnomAD v4.1: 63 of 1,599,496 alleles (0.0039%); highest among the groups gnomAD compares: East Asian, 0.074%; 2 homozygotes.

Submissions (4):

Labcorp Genetics (formerly Invitae), Labcorp
Classification: Likely benign. Last evaluated: 2025-11-04. Review status: criteria provided, single submitter. Criteria: Invitae Variant Classification Sherloc (09022015). Collection method: clinical testing. Allele origin: germline.

GeneDx
Classification: Likely benign. Last evaluated: 2020-03-17. Review status: criteria provided, single submitter. Criteria: GeneDx Variant Classification Process June 2021. Collection method: clinical testing. Allele origin: germline. Affected: yes.
Comment: In-silico analysis, which includes splice predictors and evolutionary conservation, is inconclusive as to whether the variant alters gene splicing. In the absence of RNA/functional studies, the actual effect of this sequence change is unknown.; Has not been previously published as pathogenic or benign to our knowledge

Genetic Services Laboratory, University of Chicago
Classification: Uncertain significance for Microcephaly 5, primary, autosomal recessive. Last evaluated: 2013-02-08. Review status: criteria provided, single submitter. Criteria: ACMG Guidelines, 2007. Collection method: clinical testing. Allele origin: germline. Inheritance: Autosomal recessive inheritance.

Dr. Peter K. Rogan Lab, Western University
No classification provided (evidence only). Condition: Familial cancer of breast. Review status: no classification provided. Collection method: in vitro. Allele origin: not applicable. Functional consequence: retained intron. Not counted in ClinVar's aggregate classification.